The following is an entry in ClinVar:

NM_025114.4(CEP290):c.1451del (p.Lys484fs)

Gene: CEP290 (centrosomal protein 290; minus strand). Cytogenetic location: 12q21.32.
Variant type: Deletion.
Coding change: c.1451del on transcript NM_025114.4 (MANE Select); coding-DNA position 1451, one base deleted (A; older notation c.1451delA).
Protein change: p.Lys484fs; shifts the reading frame from lysine 484.
Molecular consequence: frameshift variant.
Genome position (GRCh38, 1-based): chr12:88,120,185, T deleted on the plus strand (A on the coding strand, the reverse complement: CEP290 is on the minus strand); the first of 3 consecutive T bases (chr12:88,120,185-88,120,187); deleting any one gives the same sequence. VCF-style (leftmost placement, unchanged base first): chr12-88120184-CT-C. GRCh37 (hg19) VCF-style: chr12-88513961-CT-C.
Other names: NM_025114.4(CEP290):c.1451del; p.Lys484fs; c.1451delA (NM_025114.3, NM_025114.4); short protein forms K484fs.
Identifiers: ClinVar variation 56730 (VCV000056730.15), dbSNP rs386834149, ClinGen allele CA144386.
Genomic context (GRCh38, chr12:88,120,184, plus strand): 5'-TCTAAGTGCCTCATTTTCATCAAGGAAATCACTGATCTTCAATTCAAGTTTATTGATTTC[CT>C]TTGTTAATATTTCAATCTCTCGATCTCTTATTTTAATTTGGTTTTTACAATTCTTTATTT-3'

ClinVar aggregate classification (germline): Pathogenic. Review status: reviewed by expert panel (3 of 4 stars). 8 submissions from 7 submitters: Pathogenic (1). 7 of the submissions do not count toward it. Last evaluated 2026-07-20.

Conditions:
CEP290-related ciliopathy. Also called: CEP290 ciliopathy. Identifiers: MedGen CN305601, MONDO:0100451.
Meckel syndrome, type 4 (MKS4). Also called: MECKEL-GRUBER SYNDROME, TYPE 4. Identifiers: Orphanet 564, MedGen C1970161, MONDO:0012626, OMIM 611134.
Bardet-Biedl syndrome 14 (BBS14). Identifiers: Orphanet 110, MedGen C2673874, MONDO:0014442, OMIM 615991.
Meckel-Gruber syndrome. Also called: DYSENCEPHALIA SPLANCHNOCYSTICA; Dysencephalia splachnocystica; GRUBER SYNDROME. Identifiers: Orphanet 564, MedGen C0265215, MONDO:0018921.
Joubert syndrome. Also called: Familial aplasia of the vermis; JOUBERT-BOLTSHAUSER SYNDROME. Identifiers: Orphanet 475, MedGen C5979921, MONDO:0018772.
Nephronophthisis. Also called: Juvenile Nephronophthisis. Identifiers: Orphanet 655, MedGen C0687120, MONDO:0019005, HP:0000090.
Leber congenital amaurosis 10 (LCA10). Identifiers: Orphanet 65, MedGen C1857821, MONDO:0012723, OMIM 611755.
Joubert syndrome 5 (JBTS5). Identifiers: Orphanet 2318, MedGen C1857780, MONDO:0012432, OMIM 610188.
Senior-Loken syndrome 6 (SLSN6). Identifiers: Orphanet 3156, MedGen C1857779, MONDO:0012433, OMIM 610189.

Submissions (8):

ClinGen Leber Congenital Amaurosis/early Onset Retinal Dystrophy Variant Curation Expert Panel, ClinGen
Classification: Pathogenic for CEP290-related ciliopathy. Last evaluated: 2026-07-20. Review status: reviewed by expert panel. Criteria: ClinGen LCAeoRD ACMG Specifications CEP290 V1.0.0. Collection method: curation. Allele origin: germline. Inheritance: Autosomal recessive inheritance.
Comment: NM_025114.4(CEP290):c.1451del (p.Lys484ArgfsTer8) is a frameshift variant that introduces a premature stop codon into exon 15 of 54 and is predicted to lead to nonsense-mediated decay in a gene in which loss-of-function is an established mechanism of disease (PVS1). This variant is present in gnomAD v4.1.0 at a total allele frequency of 0.000002624, with 4 alleles / 1,524,488 total alleles, which is lower than the ClinGen LCA/eoRD VCEP PM2_Supporting threshold of <0.0006 (PM2_Supporting). This variant has been reported in at least 1 proband with early-onset severe retinal dystrophy who was compound heterozygous with both the NM_025114.4(CEP290):c.2991+1655A>G and NM_025114.4(CEP290):c.3911T>C (p.Met1304Thr) variants suspected in trans (and confirmed in cis relative to one another), one of which was previously classified pathogenic by the ClinGen LCA/eoRD VCEP (0.5 total points, PMID: 32865313, PM3_Supporting). This variant has also been reported in at least 1 proband with early-onset severe retinal dystrophy who harbored the variant in the compound heterozygous state with the NM_025114.4(CEP290):c.5777G>C (p.Arg1926Pro) variant suspected in trans (PMID: 39939324), however, the proband was not counted for PM3 to avoid circularity. In summary, this variant meets the criteria to be classified as Pathogenic for CEP290-related ciliopathy based on the ACMG/AMP criteria applied, as specified by the ClinGen LCA/eoRD VCEP: PVS1, PM2_Supporting, and PM3_Supporting. (LCA/eoRD VCEP Specifications for CEP290 Version 1.0.0)

Myriad Genetics, Inc.
Classification: Pathogenic for CEP290-related ciliopathy. Last evaluated: 2026-02-25. Review status: criteria provided, single submitter. Criteria: Myriad Autosomal Dominant, Autosomal Recessive and X-Linked Classification Criteria (2023). Collection method: clinical testing. Allele origin: unknown. Not counted in ClinVar's aggregate classification.
Comment: NM_025114.3(CEP290):c.1451delA(K484Rfs*8) is a frameshift variant classified as pathogenic in the context of CEP290-related disorders. K484Rfs*8 has been observed in a case with relevant disease (PMID: 38777102). Relevant functional assessments of this variant are not available in the literature. K484Rfs*8 has not been observed in referenced population frequency databases. In summary, NM_025114.3(CEP290):c.1451delA(K484Rfs*8) is a frameshift variant in a gene where loss of function is a known mechanism of disease, is predicted to disrupt protein function, and has been observed more frequently in cases with the relevant disease than in healthy populations. Please note: this variant was assessed in the context of healthy population screening.

Fulgent Genetics
Classification: Likely pathogenic for Joubert syndrome 5; Senior-Loken syndrome 6; Meckel syndrome, type 4; Leber congenital amaurosis 10; Bardet-Biedl syndrome 14. Last evaluated: 2024-04-30. Review status: criteria provided, single submitter. Criteria: ACMG Guidelines, 2015. Collection method: clinical testing. Allele origin: germline. Not counted in ClinVar's aggregate classification.

Labcorp Genetics (formerly Invitae), Labcorp
Classification: Pathogenic for Joubert syndrome; Meckel-Gruber syndrome; Nephronophthisis. Last evaluated: 2024-03-11. Review status: criteria provided, single submitter. Criteria: Invitae Variant Classification Sherloc (09022015). Collection method: clinical testing. Allele origin: germline. Not counted in ClinVar's aggregate classification.
Comment: This sequence change creates a premature translational stop signal (p.Lys484Argfs*8) in the CEP290 gene. It is expected to result in an absent or disrupted protein product. Loss-of-function variants in CEP290 are known to be pathogenic (PMID: 16909394, 17345604, 20690115). The frequency data for this variant in the population databases is considered unreliable, as metrics indicate poor data quality at this position in the gnomAD database. This premature translational stop signal has been observed in individual(s) with Meckel-Gruber syndrome (PMID: 21068128, 23351400). ClinVar contains an entry for this variant (Variation ID: 56730). For these reasons, this variant has been classified as Pathogenic.

Baylor Genetics
Classification: Pathogenic for Bardet-Biedl syndrome 14. Last evaluated: 2023-03-10. Review status: criteria provided, single submitter. Criteria: ACMG Guidelines, 2015. Collection method: clinical testing. Allele origin: unknown. Not counted in ClinVar's aggregate classification.

Laboratorio de Genetica e Diagnostico Molecular, Hospital Israelita Albert Einstein
Classification: Pathogenic. Last evaluated: 2020-08-25. Review status: criteria provided, single submitter. Criteria: ACMG Guidelines, 2015. Collection method: clinical testing. Allele origin: germline. Affected: yes. Not counted in ClinVar's aggregate classification.
Comment: ACMG classification criteria: PVS1, PS4, PM2

Labcorp Genetics (formerly Invitae), Labcorp
Classification: Pathogenic for Familial aplasia of the vermis. Last evaluated: 2015-02-25. Review status: criteria provided, single submitter. Criteria: Invitae Variant Classification Sherloc (09022015). Collection method: clinical testing. Allele origin: germline. Not counted in ClinVar's aggregate classification.
Comment: This sequence change deletes 1 nucleotide from exon 15 of the CEP290 mRNA (c.1451delA), causing a frameshift at codon 484. This creates a premature translational stop signal (p.Lys484Argfs*8) and is expected to result in an absent or disrupted protein product. Truncating variants in CEP290 are known to be pathogenic. This particular truncation has been reported in the literature (PMID: 21068128, 23351400). This variant has been reported in individuals affected with Meckel-Gruber syndrome. A second causative variant was not found in these individuals (PMID: 21068128, 23351400). For these reasons, this variant has been classified as Pathogenic.

Juha Muilu Group; Institute for Molecular Medicine Finland (FIMM)
Classification: Likely pathogenic for Meckel syndrome type 4. Review status: no assertion criteria provided. Collection method: not provided. Allele origin: unknown. Not counted in ClinVar's aggregate classification.
Comment: FinDis database variant: This variant was not found or characterized by our laboratory, data were collected from public sources: see reference
ClinVar note: Converted during submission from probable-pathogenic to Likely pathogenic.

Literature cited by the submitters: PubMed 38777102 (cited by Myriad Genetics, Inc.); PubMed 16909394 (cited by Labcorp Genetics (formerly Invitae), Labcorp); PubMed 17345604 (cited by Labcorp Genetics (formerly Invitae), Labcorp); PubMed 20690115 (cited by Labcorp Genetics (formerly Invitae), Labcorp); PubMed 21068128 (cited by Labcorp Genetics (formerly Invitae), Labcorp); PubMed 23351400 (cited by Labcorp Genetics (formerly Invitae), Labcorp).